The following is an entry in ClinVar:

ClinVar aggregate classification (germline): Likely benign. Review status: criteria provided, multiple submitters, no conflicts (2 of 4 stars). 3 submissions from 3 submitters: Likely benign (3). Last evaluated 2026-07-20.

Conditions:
Neurofibromatosis, type 2 (SWNV). Also called: NF2-Related Schwannomatosis; BILATERAL ACOUSTIC NEUROFIBROMATOSIS; SCHWANNOMATOSIS, VESTIBULAR. Identifiers: Orphanet 637, MedGen C0027832, MONDO:0007039, OMIM 101000. Disease mechanism: loss of function.
Hereditary cancer-predisposing syndrome. Also called: Tumor predisposition; Hereditary neoplastic syndrome; Neoplastic Syndromes, Hereditary; Hereditary Cancer Syndrome. Identifiers: Orphanet 140162, MedGen C0027672, MeSH D009386, MONDO:0015356.

Submissions (3):

Ambry Genetics
Classification: Likely benign for Hereditary cancer-predisposing syndrome. Last evaluated: 2026-07-20. Review status: criteria provided, single submitter. Criteria: Ambry Variant Classification Scheme 2023. Collection method: clinical testing. Allele origin: germline.

Mayo Clinic Laboratories, Mayo Clinic
Classification: Likely benign. Last evaluated: 2024-11-19. Review status: criteria provided, single submitter. Criteria: ACMG Guidelines, 2015. Collection method: clinical testing. Allele origin: germline. Observed: 1 variant allele.
Comment: BP4, BP7

Labcorp Genetics (formerly Invitae), Labcorp
Classification: Likely benign for Neurofibromatosis, type 2. Last evaluated: 2021-12-15. Review status: criteria provided, single submitter. Criteria: Invitae Variant Classification Sherloc (09022015). Collection method: clinical testing. Allele origin: germline.

NM_000268.4(NF2):c.1008G>A (p.Arg336=)

Gene: NF2 (NF2, moesin-ezrin-radixin like (MERLIN) tumor suppressor; plus strand). Cytogenetic location: 22q12.2.
Variant type: single nucleotide variant.
Coding change: c.1008G>A on transcript NM_000268.4 (MANE Select); coding-DNA position 1008, G replaced by A.
Protein change: p.Arg336=; no amino-acid change (arginine 336 retained).
Molecular consequence: synonymous variant. On other transcripts: non-coding transcript variant (1), intron variant (1).
Genome position (GRCh38, 1-based): chr22:29,671,834, G>A. VCF-style: chr22-29671834-G-A. GRCh37 (hg19) VCF-style: chr22-30067823-G-A.
Other names: p.Arg336=; c.1008G>A (NM_000268.3); c.1008G>A, p.Arg336= (NM_016418.5, NM_181825.3, NM_181832.3); c.882G>A, p.Arg294= (NM_181828.3); c.885G>A, p.Arg295= (NM_181829.3); c.759G>A, p.Arg253= (NM_181830.3, NM_181831.3); c.448-22918G>A (NM_181833.3).
Identifiers: ClinVar variation 1606388 (VCV001606388.10), dbSNP rs2147071211, ClinGen allele CA514184581.
Genomic context (GRCh38, chr22:29,671,834, plus strand): 5'-CCTAGGTCTCGAGCCCTGTGATTCAATGACTGTTTTTCTTCACCCCTCGCAGATGGAGCG[G>A]CAGCGCCTCGCTCGAGAGAAGCAGATGAGGGAGGAGGCTGAACGCACGAGGGATGAGTTG-3'
Protein context (NP_000259.1, residues 326-346): REEKARKQME[Arg336=]QRLAREKQMR